The following is an entry in ClinVar:

NM_032043.3(BRIP1):c.2916_2917del (p.Phe973fs)

Gene: BRIP1 (BRCA1 interacting DNA helicase 1; minus strand). Cytogenetic location: 17q23.2.
Variant type: Deletion.
Coding change: c.2916_2917del on transcript NM_032043.3 (MANE Select); coding-DNA positions 2916 to 2917, 2 bases deleted (AT; older notation c.2916_2917delAT).
Protein change: p.Phe973fs; shifts the reading frame from phenylalanine 973.
Molecular consequence: frameshift variant.
Genome position (GRCh38, 1-based): chr17:61,684,129-61,684,130, AT deleted on the plus strand (AT on the coding strand, the reverse complement: BRIP1 is on the minus strand); deleting any 2 consecutive bases within chr17:61,684,129-61,684,131 gives the same sequence; the c. name uses the placement nearest the transcript's 3' end. VCF-style (leftmost placement, unchanged base first): chr17-61684128-AAT-A. GRCh37 (hg19) VCF-style: chr17-59761489-AAT-A.
Other names: short protein forms F973fs.
Identifiers: ClinVar variation 2583205 (VCV002583205.2), dbSNP rs2544562596, ClinGen allele CA2582342296.

ClinVar aggregate classification (germline): Pathogenic (1 of 4 stars; one submission).

Conditions:
Familial cancer of breast. Also called: Hereditary breast cancer; BREAST CANCER, FAMILIAL; hereditary breast carcinoma. Identifiers: Orphanet 227535, MedGen C0346153, MONDO:0016419, OMIM 114480. Disease mechanism: loss of function.

Submission:

Myriad Genetics, Inc.
Classification: Pathogenic for Familial cancer of breast. Last evaluated: 2023-06-07. Review status: criteria provided, single submitter. Criteria: Myriad Autosomal Dominant, Autosomal Recessive and X-Linked Classification Criteria (2023). Collection method: clinical testing. Allele origin: unknown.
Comment: This variant is considered pathogenic. This variant creates a frameshift predicted to result in premature protein truncation.